The following is an entry in ClinVar:

ClinVar aggregate classification (germline): Uncertain significance (1 of 4 stars; one submission).

Conditions:
Autosomal recessive severe congenital neutropenia due to CSF3R deficiency. Also called: Neutropenia, severe congenital, 7, autosomal recessive. Identifiers: Orphanet 420702, MedGen C4310764, MONDO:0014865, OMIM 617014.

Allele frequency attached by ClinVar (database versions not stated): TOPMed 0.00001; gnomAD 0.00002; gnomAD exomes 0.00003; ExAC 0.00001.
gnomAD v4.1: 44 of 1,613,656 alleles (0.0027%); highest among the groups gnomAD compares: Non-Finnish European, 0.0036%; no homozygotes.

Submission:

Labcorp Genetics (formerly Invitae), Labcorp
Classification: Uncertain significance for Autosomal recessive severe congenital neutropenia due to CSF3R deficiency. Last evaluated: 2024-10-16. Review status: criteria provided, single submitter. Criteria: Invitae Variant Classification Sherloc (09022015). Collection method: clinical testing. Allele origin: germline.
Comment: This sequence change falls in intron 10 of the CSF3R gene. It does not directly change the encoded amino acid sequence of the CSF3R protein. It affects a nucleotide within the consensus splice site. This variant is present in population databases (rs779863617, gnomAD 0.002%). This variant has not been reported in the literature in individuals affected with CSF3R-related conditions. ClinVar contains an entry for this variant (Variation ID: 2058969). Variants that disrupt the consensus splice site are a relatively common cause of aberrant splicing (PMID: 17576681, 9536098). Algorithms developed to predict the effect of sequence changes on RNA splicing suggest that this variant may disrupt the consensus splice site. In summary, the available evidence is currently insufficient to determine the role of this variant in disease. Therefore, it has been classified as a Variant of Uncertain Significance.

Literature cited by the submitters: PubMed 17576681; PubMed 9536098.

NM_000760.4(CSF3R):c.1285+3A>G

Gene: CSF3R (colony stimulating factor 3 receptor; minus strand). Cytogenetic location: 1p34.3.
Variant type: single nucleotide variant.
Coding change: c.1285+3A>G on transcript NM_000760.4 (MANE Select); 3 bases into the intron after coding-DNA position 1285, A replaced by G.
Molecular consequence: intron variant.
Genome position (GRCh38, 1-based): chr1:36,471,430, T>C on the plus strand (A>G on the coding strand, the complement: CSF3R is on the minus strand). VCF-style: chr1-36471430-T-C. GRCh37 (hg19) VCF-style: chr1-36937031-T-C.
Other names: c.1285+3A>G (NM_156039.3, NM_172313.3).
Identifiers: ClinVar variation 2058969 (VCV002058969.4), dbSNP rs779863617, ClinGen allele CA769244.